The following is an entry in ClinVar:

ClinVar aggregate classification (germline): Benign. Review status: criteria provided, multiple submitters, no conflicts (2 of 4 stars). 4 submissions from 4 submitters: Benign (3). 1 of the submissions does not count toward it. Last evaluated 2026-02-01.

Conditions:
ANXA11-related disorder. Also called: ANXA11-related condition.

Allele frequency attached by ClinVar (database versions not stated): gnomAD exomes 0.01012 and 0.01450; gnomAD 0.01068 and 0.01123; 1000 Genomes Project 0.00319; TOPMed 0.01008; ExAC 0.01057; ESP Exome Variant Server 0.00844; 1000 Genomes Project 30x 0.00312.

Submissions (4):

Labcorp Genetics (formerly Invitae), Labcorp
Classification: Benign. Last evaluated: 2026-02-01. Review status: criteria provided, single submitter. Criteria: Invitae Variant Classification Sherloc (09022015). Collection method: clinical testing. Allele origin: germline.

Mayo Clinic Laboratories, Mayo Clinic
Classification: Benign. Last evaluated: 2024-01-02. Review status: criteria provided, single submitter. Criteria: ACMG Guidelines, 2015. Collection method: clinical testing. Allele origin: germline. Observed: 13 variant alleles.
Comment: BS1, BS2, BP4, BP7

Breakthrough Genomics
Classification: Benign. Review status: criteria provided, single submitter. Criteria: ACMG Guidelines, 2015. Collection method: not provided. Allele origin: germline. Inheritance: Autosomal dominant inheritance. Affected: yes.

PreventionGenetics, part of Exact Sciences
Classification: Benign for ANXA11-related condition. Last evaluated: 2019-06-27. Review status: no assertion criteria provided. Collection method: clinical testing. Allele origin: germline. Not counted in ClinVar's aggregate classification.
Comment: This variant is classified as benign based on ACMG/AMP sequence variant interpretation guidelines (Richards et al. 2015 PMID: 25741868, with internal and published modifications).

NM_145868.2(ANXA11):c.303T>C (p.Pro101=)

Genes: ANXA11 (annexin A11; minus strand), LOC130004184 (ATAC-STARR-seq lymphoblastoid silent region 2543; plus strand). Cytogenetic location: 10q22.3.
Variant type: single nucleotide variant.
Coding change: c.303T>C on transcript NM_145868.2 (MANE Select); coding-DNA position 303, T replaced by C.
Protein change: p.Pro101=; no amino-acid change (proline 101 retained).
Molecular consequence: synonymous variant.
Genome position (GRCh38, 1-based): chr10:80,169,227, A>G on the plus strand (T>C on the coding strand, the complement: ANXA11 is on the minus strand). VCF-style: chr10-80169227-A-G. GRCh37 (hg19) VCF-style: chr10-81928983-A-G.
Other names: p.Pro101=; c.303T>C, p.Pro101= (NM_001157.3, NM_001278407.2, NM_001278408.2 and 1 more transcripts); c.204T>C, p.Pro68= (NM_001278409.2); c.303T>C (NM_145869.1).
Identifiers: ClinVar variation 1624066 (VCV001624066.12), dbSNP rs11542746, ClinGen allele CA5576313.